The following is an entry in ClinVar:

ClinVar aggregate classification (germline): Pathogenic (1 of 4 stars; one submission).

Submission:

GeneDx
Classification: Pathogenic. Last evaluated: 2015-12-08. Review status: criteria provided, single submitter. Criteria: GeneDx Variant Classification (06012015). Collection method: clinical testing. Allele origin: germline. Affected: yes.
Comment: The c.1140dupC pathogenic variant in the NFIX gene has not been reported previously as a pathogenic variant nor as a benign variant, to our knowledge. The c.1140dupC variant causes a frameshift starting with codon Serine 381, changes this amino acid to a Leucine residue, and creates a premature Stop codon at position 50 of the new reading frame, denoted p.Ser381LeufsX50. This variant is predicted to cause loss of normal protein function either through protein truncation or nonsense-mediated mRNA decay. The c.1140dupC variant was not observed in approximately 6400 individuals of European and African American ancestry in the NHLBI Exome Sequencing Project, indicating it is not a common benign variant in these populations. Protein truncating pathogenic variants downstream of this variant have been reported in the Human Gene Mutation Database in association with NFIX-related disorders (Stenson et al., 2014), supporting the pathogenicity of more upstream truncating variants. We interpret c.1140dupC as a pathogenic variant.

NM_001365902.3(NFIX):c.1116dup (p.Ser373fs)

Gene: NFIX (nuclear factor I X; plus strand). Cytogenetic location: 19p13.13.
Variant type: Duplication.
Coding change: c.1116dup on transcript NM_001365902.3 (MANE Select); coding-DNA position 1116, one base duplicated (C; older notation c.1116dupC).
Protein change: p.Ser373fs; shifts the reading frame from serine 373.
Molecular consequence: frameshift variant.
Genome position (GRCh38, 1-based): chr19:13,081,717, C duplicated; the last of 4 consecutive C bases (chr19:13,081,714-13,081,717); duplicating any one gives the same sequence. VCF-style (leftmost placement, unchanged base first): chr19-13081713-T-TC. GRCh37 (hg19) VCF-style: chr19-13192527-T-TC.
Other names: c.1140dup, p.Ser381fs (NM_001271043.2); c.1092dup, p.Ser365fs (NM_001271044.3, NM_001378404.1); c.993dup, p.Ser332fs (NM_001365982.2); c.975dup, p.Ser326fs (NM_001365983.2); c.1113dup, p.Ser372fs (NM_001365984.2, NM_001365985.2); c.1164dup, p.Ser389fs (NM_001378405.1); c.1116dup, p.Ser373fs (NM_002501.4); c.1140dupC (NM_001271043.2); short protein forms S326fs, S365fs, S381fs, S332fs, S373fs, S372fs, S389fs.
Identifiers: ClinVar variation 280179 (VCV000280179.2), dbSNP rs886041432, ClinGen allele CA10603341.